The following is an entry in ClinVar:

ClinVar aggregate classification (germline): Uncertain significance (1 of 4 stars; one submission).

Allele frequency attached by ClinVar (database versions not stated): gnomAD 0.00001; gnomAD exomes 0.00001; TOPMed 0.00001.
gnomAD v4.1: 3 of 1,286,468 alleles (0.00023%); highest among the groups gnomAD compares: Non-Finnish European, 0.0003%; no homozygotes.

Submission:

Labcorp Genetics (formerly Invitae), Labcorp
Classification: Uncertain significance. Last evaluated: 2023-06-30. Review status: criteria provided, single submitter. Criteria: Invitae Variant Classification Sherloc (09022015). Collection method: clinical testing. Allele origin: germline.
Comment: This sequence change replaces serine, which is neutral and polar, with arginine, which is basic and polar, at codon 877 of the ERCC6L2 protein (p.Ser877Arg). This variant is present in population databases (rs770342034, gnomAD 0.002%). This variant has not been reported in the literature in individuals affected with ERCC6L2-related conditions. ClinVar contains an entry for this variant (Variation ID: 1953131). Experimental studies and prediction algorithms are not available or were not evaluated, and the functional significance of this variant is currently unknown. In summary, the available evidence is currently insufficient to determine the role of this variant in disease. Therefore, it has been classified as a Variant of Uncertain Significance.

NM_020207.7(ERCC6L2):c.2598T>G (p.Ser866Arg)

Gene: ERCC6L2 (ERCC excision repair 6 like 2; plus strand). Cytogenetic location: 9q22.32.
Variant type: single nucleotide variant.
Coding change: c.2598T>G on transcript NM_020207.7 (MANE Select); coding-DNA position 2598, T replaced by G.
Protein change: p.Ser866Arg; replaces serine 866 with arginine.
Molecular consequence: missense variant. On other transcripts: non-coding transcript variant (1).
Genome position (GRCh38, 1-based): chr9:95,972,349, T>G. VCF-style: chr9-95972349-T-G. GRCh37 (hg19) VCF-style: chr9-98734631-T-G.
Other names: c.2598T>G, p.Ser866Arg (NM_001375291.1, NM_001375292.1, NM_001375293.1 and 1 more transcripts); short protein forms S866R.
Identifiers: ClinVar variation 1953131 (VCV001953131.5), dbSNP rs770342034, ClinGen allele CA5139827.